The following is an entry in ClinVar:

NM_002076.4(GNS):c.770A>C (p.Lys257Thr)

Gene: GNS (glucosamine (N-acetyl)-6-sulfatase; minus strand). Cytogenetic location: 12q14.3.
Variant type: single nucleotide variant.
Coding change: c.770A>C on transcript NM_002076.4 (MANE Select); coding-DNA position 770, A replaced by C.
Protein change: p.Lys257Thr; replaces lysine 257 with threonine.
Molecular consequence: missense variant.
Genome position (GRCh38, 1-based): chr12:64,743,163, T>G on the plus strand (A>C on the coding strand, the complement: GNS is on the minus strand). VCF-style: chr12-64743163-T-G. GRCh37 (hg19) VCF-style: chr12-65136943-T-G.
Other names: short protein forms K257T.
Identifiers: ClinVar variation 2156845 (VCV002156845.1), dbSNP rs1171491284, ClinGen allele CA385608840.

ClinVar aggregate classification (germline): Uncertain significance (1 of 4 stars; one submission).

Conditions:
Mucopolysaccharidosis, MPS-III-D (MPS3D). Also called: N-ACETYLGLUCOSAMINE-6-SULFATASE DEFICIENCY; SANFILIPPO SYNDROME D; MPS III D; Mucopoly-saccharidosis type 3D; N-acetylglucosamine-6-sulfate sulfatase deficiency; MPS 3D. Identifiers: Orphanet 581, Orphanet 79272, MedGen C0086650, MONDO:0009658, OMIM 252940.

Allele frequency attached by ClinVar (database versions not stated): gnomAD exomes below 0.00001; TOPMed 0.00002; gnomAD 0.00001.
gnomAD v4.1: 3 of 1,613,502 alleles (0.00019%); highest among the groups gnomAD compares: Admixed American, 0.005%; no homozygotes.

Submission:

Labcorp Genetics (formerly Invitae), Labcorp
Classification: Uncertain significance for Mucopolysaccharidosis, MPS-III-D. Last evaluated: 2022-03-04. Review status: criteria provided, single submitter. Criteria: Invitae Variant Classification Sherloc (09022015). Collection method: clinical testing. Allele origin: germline.
Comment: This sequence change replaces lysine, which is basic and polar, with threonine, which is neutral and polar, at codon 257 of the GNS protein (p.Lys257Thr). This variant is present in population databases (no rsID available, gnomAD 0.003%). This variant has not been reported in the literature in individuals affected with GNS-related conditions. Algorithms developed to predict the effect of missense changes on protein structure and function (SIFT, PolyPhen-2, Align-GVGD) all suggest that this variant is likely to be tolerated. In summary, the available evidence is currently insufficient to determine the role of this variant in disease. Therefore, it has been classified as a Variant of Uncertain Significance.